The following is an entry in ClinVar:

ClinVar aggregate classification (germline): Benign (0 of 4 stars; one submission).

Conditions:
LRP1B-related disorder. Also called: LRP1B-related condition.

Allele frequency attached by ClinVar (database versions not stated): 1000 Genomes Project 30x 0.03810; 1000 Genomes Project 0.03934; gnomAD exomes 0.04394; ExAC 0.04776; TOPMed 0.05208; ESP Exome Variant Server 0.05459; gnomAD 0.05677.
gnomAD v4.1: 72,827 of 1,607,282 alleles (4.5%); highest among the groups gnomAD compares: African/African-American, 8.1%; 1,919 homozygotes.

Submission:

PreventionGenetics, part of Exact Sciences
Classification: Benign for LRP1B-related condition. Last evaluated: 2019-02-28. Review status: no assertion criteria provided. Collection method: clinical testing. Allele origin: germline.
Comment: This variant is classified as benign based on ACMG/AMP sequence variant interpretation guidelines (Richards et al. 2015 PMID: 25741868, with internal and published modifications).

NM_018557.3(LRP1B):c.9419A>G (p.Gln3140Arg)

Gene: LRP1B (LDL receptor related protein 1B; minus strand). Cytogenetic location: 2q22.1.
Variant type: single nucleotide variant.
Coding change: c.9419A>G on transcript NM_018557.3 (MANE Select); coding-DNA position 9419, A replaced by G.
Protein change: p.Gln3140Arg; replaces glutamine 3140 with arginine.
Molecular consequence: missense variant.
Genome position (GRCh38, 1-based): chr2:140,485,349, T>C on the plus strand (A>G on the coding strand, the complement: LRP1B is on the minus strand). VCF-style: chr2-140485349-T-C. GRCh37 (hg19) VCF-style: chr2-141242918-T-C.
Other names: short protein forms Q3140R.
Identifiers: ClinVar variation 3055298 (VCV003055298.2), dbSNP rs34488772, ClinGen allele CA1893657.
Genomic context (GRCh38, chr2:140,485,349, plus strand): 5'-ACTATGAATGTAATCCAGTCTTAAACTTTAAGATTTTTAACAGTTTTTACAAACCCAGCT[T>C]GAGGATCTAAAGACAAGTCTCTGGGAAACTTCAGCCTTTTGCTAACGAGTATAGTAGGGT-3'
Protein context (NP_061027.2, residues 3130-3150): KFPRDLSLDP[Gln3140Arg]AGYLYWIDCC